The following is an entry in ClinVar:

ClinVar aggregate classification (germline): Likely pathogenic (1 of 4 stars; one submission).

Conditions:
Pontocerebellar hypoplasia type 1A (PCH1A). Also called: PONTOCEREBELLAR HYPOPLASIA WITH ANTERIOR HORN CELL DISEASE; PONTOCEREBELLAR HYPOPLASIA WITH INFANTILE SPINAL MUSCULAR ATROPHY. Identifiers: Orphanet 2254, Orphanet 88616, MedGen C1843504, MONDO:0011866, OMIM 607596.

Allele frequency attached by ClinVar (database versions not stated): TOPMed below 0.00001.

Submission:

Labcorp Genetics (formerly Invitae), Labcorp
Classification: Likely pathogenic for Pontocerebellar hypoplasia type 1A. Last evaluated: 2023-06-23. Review status: criteria provided, single submitter. Criteria: Invitae Variant Classification Sherloc (09022015). Collection method: clinical testing. Allele origin: germline.
Comment: This variant has not been reported in the literature in individuals affected with VRK1-related conditions. In summary, the currently available evidence indicates that the variant is pathogenic, but additional data are needed to prove that conclusively. Therefore, this variant has been classified as Likely Pathogenic. Algorithms developed to predict the effect of sequence changes on RNA splicing suggest that this variant may disrupt the consensus splice site. This variant is not present in population databases (gnomAD no frequency). This sequence change affects a donor splice site in intron 7 of the VRK1 gene. It is expected to disrupt RNA splicing. Variants that disrupt the donor or acceptor splice site typically lead to a loss of protein function (PMID: 16199547), and loss-of-function variants in VRK1 are known to be pathogenic (PMID: 19646678, 24126608, 27281532).

Literature cited by the submitters: PubMed 16199547; PubMed 19646678; PubMed 24126608; PubMed 27281532.

NM_003384.3(VRK1):c.576+1G>A

Gene: VRK1 (VRK serine/threonine kinase 1; plus strand). Cytogenetic location: 14q32.2.
Variant type: single nucleotide variant.
Coding change: c.576+1G>A on transcript NM_003384.3 (MANE Select); the canonical splice donor site of the intron after coding-DNA position 576, G replaced by A.
Molecular consequence: splice donor variant.
Genome position (GRCh38, 1-based): chr14:96,853,167, G>A. VCF-style: chr14-96853167-G-A. GRCh37 (hg19) VCF-style: chr14-97319504-G-A.
Other names: c.576+1G>A (NM_001411051.1, NM_001411053.1).
Identifiers: ClinVar variation 2976503 (VCV002976503.3), dbSNP rs1888018806, ClinGen allele CA390930675.
Genomic context (GRCh38, chr14:96,853,167, plus strand): 5'-TATGTGCATGGAGATATCAAGGCCTCAAATCTTCTTCTGAACTACAAGAATCCTGACCAG[G>A]TAGTTTTATAACTTTAATTTCTACTATTTAAAGCGTGTTGTTTGAAAATAAATATGGTTG-3'